The following is an entry in ClinVar:

NM_032043.3(BRIP1):c.1652C>A (p.Ala551Glu)

Gene: BRIP1 (BRCA1 interacting DNA helicase 1; minus strand). Cytogenetic location: 17q23.2.
Variant type: single nucleotide variant.
Coding change: c.1652C>A on transcript NM_032043.3 (MANE Select); coding-DNA position 1652, C replaced by A.
Protein change: p.Ala551Glu; replaces alanine 551 with glutamic acid.
Molecular consequence: missense variant.
Genome position (GRCh38, 1-based): chr17:61,780,982, G>T on the plus strand (C>A on the coding strand, the complement: BRIP1 is on the minus strand). VCF-style: chr17-61780982-G-T. GRCh37 (hg19) VCF-style: chr17-59858343-G-T.
Other names: short protein forms A551E.
Identifiers: ClinVar variation 219544 (VCV000219544.37), dbSNP rs375246789, ClinGen allele CA349621.

ClinVar aggregate classification (germline): Uncertain significance. Review status: criteria provided, multiple submitters, no conflicts (2 of 4 stars). 12 submissions from 12 submitters: Uncertain significance (10). 2 of the submissions do not count toward it. Last evaluated 2026-01-26.

Conditions:
Hereditary cancer-predisposing syndrome. Also called: Tumor predisposition; Neoplastic Syndromes, Hereditary; Hereditary Cancer Syndrome; Hereditary neoplastic syndrome. Identifiers: Orphanet 140162, MedGen C0027672, MeSH D009386, MONDO:0015356.
Ovarian cancer. Also called: OVARIAN CANCER, SOMATIC. Identifiers: Orphanet 213500, MedGen C1140680, MONDO:0008170, OMIM 167000.
Fanconi anemia complementation group J. Also called: BRIP1-Related Fanconi Anemia. Identifiers: Orphanet 84, MedGen C1836860, MONDO:0012187, OMIM 609054.
Familial ovarian cancer. Identifiers: MedGen C5679802, MONDO:0016248.
Familial cancer of breast. Also called: hereditary breast carcinoma; Hereditary breast cancer; BREAST CANCER, FAMILIAL. Identifiers: Orphanet 227535, MedGen C0346153, MONDO:0016419, OMIM 114480. Disease mechanism: loss of function.

Allele frequency attached by ClinVar (database versions not stated): TOPMed 0.00002; gnomAD 0.00003.
gnomAD v4.1: 24 of 1,613,646 alleles (0.0015%); highest among the groups gnomAD compares: East Asian, 0.0067%; no homozygotes.

Submissions (12):

Labcorp Genetics (formerly Invitae), Labcorp
Classification: Uncertain significance for Familial cancer of breast; Fanconi anemia complementation group J. Last evaluated: 2026-01-26. Review status: criteria provided, single submitter. Criteria: Invitae Variant Classification Sherloc (09022015). Collection method: clinical testing. Allele origin: germline.
Comment: This sequence change replaces alanine, which is neutral and non-polar, with glutamic acid, which is acidic and polar, at codon 551 of the BRIP1 protein (p.Ala551Glu). This variant is present in population databases (no rsID available, gnomAD 0.002%). This missense change has been observed in individual(s) with breast cancer and/or prostate cancer (PMID: 25452441, 31214711). ClinVar contains an entry for this variant (Variation ID: 219544). Invitae Evidence Modeling of protein sequence and biophysical properties (such as structural, functional, and spatial information, amino acid conservation, physicochemical variation, residue mobility, and thermodynamic stability) has been performed for this missense variant. However, the output from this modeling did not meet the statistical confidence thresholds required to predict the impact of this variant on BRIP1 protein function. In summary, the available evidence is currently insufficient to determine the role of this variant in disease. Therefore, it has been classified as a Variant of Uncertain Significance.

Ambry Genetics
Classification: Uncertain significance for Hereditary cancer-predisposing syndrome. Last evaluated: 2025-12-11. Review status: criteria provided, single submitter. Criteria: Ambry Variant Classification Scheme 2023. Collection method: clinical testing. Allele origin: germline.
Comment: The p.A551E variant (also known as c.1652C>A), located in coding exon 11 of the BRIP1 gene, results from a C to A substitution at nucleotide position 1652. The alanine at codon 551 is replaced by glutamic acid, an amino acid with dissimilar properties. This alteration was reported in one individual from a cohort of 1824 patients with triple negative breast cancer who were unselected for family history of breast or ovarian cancer (Couch FJ et al. J. Clin. Oncol. 2015 Feb;33:304-11). This alteration has been reported with a carrier frequency of 0.00013 in 7636 unselected prostate cancer patients and 0.00016 in 12366 male controls of Japanese ancestry (Momozawa Y et al. J Natl Cancer Inst, 2020 04;112:369-376). This alteration was also identified via whole exome sequencing in an individual with Carney complex and a novel alteration in PRKAR1A identified (Sun Y et al. Can J Cardiol, 2015 Nov;31:1393-401). This amino acid position is highly conserved in available vertebrate species. In addition, this alteration is predicted to be deleterious by in silico analysis. Since supporting evidence is limited at this time, the clinical significance of this alteration remains unclear.

Color Diagnostics, LLC DBA Color Health
Classification: Uncertain significance for Hereditary cancer-predisposing syndrome. Last evaluated: 2025-10-14. Review status: criteria provided, single submitter. Criteria: ACMG Guidelines, 2015. Collection method: clinical testing. Allele origin: germline.
Comment: This missense variant replaces alanine with glutamic acid at codon 551 of the BRIP1 protein. Computational prediction suggests that this variant may have deleterious impact on protein structure and function. To our knowledge, functional studies have not been reported for this variant. This variant has been reported in an individual affected with breast cancer (PMID: 25452441). This variant also has been reported in a breast cancer case-control meta-analysis in 2/60466 cases and 2/53461 unaffected individuals (PMID: 33471991Leiden Open Variation Database DB-ID BRIP1_000139) and in a pancreatic cancer case-control study in 0/1005 pancreatic cancer cases and 2/23705 unaffected individuals (PMID: 32980694). This variant has been identified in 2/282630 chromosomes in the general population by the Genome Aggregation Database (gnomAD). The available evidence is insufficient to determine the role of this variant in disease conclusively. Therefore, this variant is classified as a Variant of Uncertain Significance.

Center for Genomic Medicine, Rigshospitalet, Copenhagen University Hospital
Classification: Uncertain significance. Last evaluated: 2025-03-04. Review status: criteria provided, single submitter. Criteria: ACMG Guidelines, 2015. Collection method: clinical testing. Allele origin: germline.

Baylor Genetics
Classification: Uncertain significance for Familial cancer of breast. Last evaluated: 2023-12-14. Review status: criteria provided, single submitter. Criteria: ACMG Guidelines, 2015. Collection method: clinical testing. Allele origin: unknown.

Department of Pathology and Laboratory Medicine, Sinai Health System
Classification: Uncertain significance for familial ovarian cancer. Last evaluated: 2023-07-18. Review status: criteria provided, single submitter. Criteria: ACMG Guidelines, 2015. Collection method: clinical testing. Allele origin: germline. Affected: no.

Myriad Genetics, Inc.
Classification: Uncertain significance for Familial cancer of breast. Last evaluated: 2023-02-28. Review status: criteria provided, single submitter. Criteria: Myriad Autosomal Dominant, Autosomal Recessive and X-Linked Classification Criteria (2023). Collection method: clinical testing. Allele origin: unknown.
Comment: This variant is classified as a variant of uncertain significance as there is insufficient evidence to determine its impact on protein function and/or cancer risk.

Blueprint Genetics
Classification: Uncertain significance. Last evaluated: 2022-02-18. Review status: criteria provided, single submitter. Criteria: ACMG Guidelines, 2015. Collection method: clinical testing. Allele origin: germline.

Quest Diagnostics Nichols Institute San Juan Capistrano
Classification: Uncertain significance. Last evaluated: 2020-10-22. Review status: criteria provided, single submitter. Criteria: Quest Diagnostics criteria. Collection method: clinical testing. Allele origin: unknown.

PreventionGenetics, part of Exact Sciences
Classification: Uncertain significance. Last evaluated: 2017-06-15. Review status: criteria provided, single submitter. Criteria: ACMG Guidelines, 2015. Collection method: clinical testing. Allele origin: germline.

Leiden Open Variation Database
Classification: Uncertain significance. Last evaluated: 2019-08-13. Review status: no assertion criteria provided. Collection method: curation. Allele origin: germline. Affected: yes. Not counted in ClinVar's aggregate classification.
Comment: Curator: Arleen D. Auerbach. Submitter to LOVD: Yukihide Momozawa.

Counsyl
Classification: Uncertain significance for Fanconi anemia complementation group J; Ovarian cancer. Last evaluated: 2018-06-04. Review status: no assertion criteria provided. Collection method: clinical testing. Allele origin: unknown. Not counted in ClinVar's aggregate classification.

Literature cited by the submitters: PubMed 25452441 (cited by 6 submitters); PubMed 31214711 (cited by 5 submitters); PubMed 26416542 (cited by Ambry Genetics and Department of Pathology and Laboratory Medicine, Sinai Health System); PubMed 32980694 (cited by Color Diagnostics, LLC DBA Color Health); PubMed 33471991 (cited by Color Diagnostics, LLC DBA Color Health).